The following is an entry in ClinVar:

NM_001292063.2(OTOG):c.4495C>G (p.Leu1499Val)

Gene: OTOG (otogelin; plus strand). Cytogenetic location: 11p15.1.
Variant type: single nucleotide variant.
Coding change: c.4495C>G on transcript NM_001292063.2 (MANE Select); coding-DNA position 4495, C replaced by G.
Protein change: p.Leu1499Val; replaces leucine 1499 with valine.
Molecular consequence: missense variant.
Genome position (GRCh38, 1-based): chr11:17,609,795, C>G. VCF-style: chr11-17609795-C-G. GRCh37 (hg19) VCF-style: chr11-17631342-C-G.
Other names: c.4531C>G, p.Leu1511Val (NM_001277269.2); short protein forms L1499V, L1511V.
Identifiers: ClinVar variation 1699591 (VCV001699591.2), dbSNP rs1426955815, ClinGen allele CA379795680.

ClinVar aggregate classification (germline): Uncertain significance (1 of 4 stars; one submission).

Allele frequency attached by ClinVar (database versions not stated): gnomAD 0.00001; TOPMed 0.00002.

Submission:

GeneDx
Classification: Uncertain significance. Last evaluated: 2022-02-01. Review status: criteria provided, single submitter. Criteria: GeneDx Variant Classification Process June 2021. Collection method: clinical testing. Allele origin: germline. Affected: yes.
Comment: Not observed at significant frequency in large population cohorts (gnomAD); In silico analysis supports that this missense variant does not alter protein structure/function; Has not been previously published as pathogenic or benign to our knowledge